The following is an entry in ClinVar:

ClinVar aggregate classification (germline): Uncertain significance (1 of 4 stars; one submission).

Conditions:
Chédiak-Higashi syndrome (CHS). Also called: Chediak-Higashi Syndrome. Identifiers: Orphanet 167, MedGen C0007965, MONDO:0008963, OMIM 214500.

Allele frequency attached by ClinVar (database versions not stated): gnomAD exomes below 0.00001.
gnomAD v4.1: 2 of 1,614,130 alleles (0.00012%); highest among the groups gnomAD compares: Non-Finnish European, 0.00017%; no homozygotes.

Submission:

Labcorp Genetics (formerly Invitae), Labcorp
Classification: Uncertain significance for Chédiak-Higashi syndrome. Last evaluated: 2022-02-05. Review status: criteria provided, single submitter. Criteria: Invitae Variant Classification Sherloc (09022015). Collection method: clinical testing. Allele origin: germline.
Comment: This sequence change replaces glutamine, which is neutral and polar, with arginine, which is basic and polar, at codon 44 of the LYST protein (p.Gln44Arg). This variant is present in population databases (no rsID available, gnomAD 0.0009%). This variant has not been reported in the literature in individuals affected with LYST-related conditions. ClinVar contains an entry for this variant (Variation ID: 834983). Algorithms developed to predict the effect of missense changes on protein structure and function (SIFT, PolyPhen-2, Align-GVGD) all suggest that this variant is likely to be tolerated. In summary, the available evidence is currently insufficient to determine the role of this variant in disease. Therefore, it has been classified as a Variant of Uncertain Significance.

NM_000081.4(LYST):c.131A>G (p.Gln44Arg)

Gene: LYST (lysosomal trafficking regulator; minus strand). Cytogenetic location: 1q42.3.
Variant type: single nucleotide variant.
Coding change: c.131A>G on transcript NM_000081.4 (MANE Select); coding-DNA position 131, A replaced by G.
Protein change: p.Gln44Arg; replaces glutamine 44 with arginine.
Molecular consequence: missense variant. On other transcripts: non-coding transcript variant (1).
Genome position (GRCh38, 1-based): chr1:235,830,287, T>C on the plus strand (A>G on the coding strand, the complement: LYST is on the minus strand). VCF-style: chr1-235830287-T-C. GRCh37 (hg19) VCF-style: chr1-235993587-T-C.
Other names: c.131A>G, p.Gln44Arg (NM_001301365.1); short protein forms Q44R.
Identifiers: ClinVar variation 834983 (VCV000834983.6), dbSNP rs1294045996, ClinGen allele CA344968822.